The following is an entry in ClinVar:

ClinVar aggregate classification (germline): Benign. Review status: criteria provided, multiple submitters, no conflicts (2 of 4 stars). 2 submissions from 2 submitters: Benign (2). Last evaluated 2018-01-13.

Conditions:
Bardet-Biedl syndrome 10 (BBS10). Identifiers: Orphanet 110, MedGen C1859568, MONDO:0014438, OMIM 615987.

Allele frequency attached by ClinVar (database versions not stated): gnomAD 0.00930 and 0.00985; 1000 Genomes Project 30x 0.01140; gnomAD exomes 0.00083; 1000 Genomes Project 0.00998; TOPMed 0.01046.

Submissions (2):

Illumina Laboratory Services, Illumina
Classification: Benign for Bardet-Biedl syndrome 10. Last evaluated: 2018-01-13. Review status: criteria provided, single submitter. Criteria: ICSL Variant Classification Criteria 13 December 2019. Collection method: clinical testing. Allele origin: germline.
Comment: This variant was observed in the ICSL laboratory as part of a predisposition screen in an ostensibly healthy population. It had not been previously curated by ICSL or reported in the Human Gene Mutation Database (HGMD: prior to June 1st, 2018), and was therefore a candidate for classification through an automated scoring system. Utilizing variant allele frequency, disease prevalence and penetrance estimates, and inheritance mode, an automated score was calculated to assess if this variant is too frequent to cause the disease. Based on the score and internal cut-off values, a variant classified as benign is not then subjected to further curation. The score for this variant resulted in a classification of benign for this disease.

Breakthrough Genomics
Classification: Benign. Review status: criteria provided, single submitter. Criteria: ACMG Guidelines, 2015. Collection method: not provided. Allele origin: germline. Inheritance: Autosomal recessive inheritance. Affected: yes.

NM_024685.4(BBS10):c.*87A>C

Gene: BBS10 (Bardet-Biedl syndrome 10; minus strand). Cytogenetic location: 12q21.2.
Variant type: single nucleotide variant.
Coding change: c.*87A>C on transcript NM_024685.4 (MANE Select); 87 bases downstream of the stop codon, A replaced by C.
Molecular consequence: 3 prime UTR variant.
Genome position (GRCh38, 1-based): chr12:76,345,726, T>G on the plus strand (A>C on the coding strand, the complement: BBS10 is on the minus strand). VCF-style: chr12-76345726-T-G. GRCh37 (hg19) VCF-style: chr12-76739506-T-G.
Other names: c.*87A>C (LRG_1255t1).
Identifiers: ClinVar variation 310487 (VCV000310487.6), dbSNP rs138936387, ClinGen allele CA10642491.
Genomic context (GRCh38, chr12:76,345,726, plus strand): 5'-GGTGACCTTAGTGTGCTTCTTCTAAAGACTTTTAAAGTTACGCTATTTTCCTAAGTAGAC[T>G]GAACTGACTTTAGAACCAGTGGTCACATGACTGCTTTACTTGGCTTGAGTTAGATGAAAA-3'